The following is an entry in ClinVar:

NM_024718.5(RABL6):c.1959GAA[5] (p.Lys660del)

Gene: RABL6 (RAB, member RAS oncogene family like 6; plus strand). Cytogenetic location: 9q34.3.
Variant type: Microsatellite.
Coding change: c.1959GAA[5] on transcript NM_024718.5 (MANE Select); five copies in a row of the 3-base unit GAA starting at c.1959; the reference has six copies in a row; one copy, 3 bases deleted.
Protein change: p.Lys660del; deletes lysine 660.
Molecular consequence: inframe deletion.
Genome position (GRCh38, 1-based): chr9:136,840,197-136,840,199, GAA deleted; deleting any 3 consecutive bases within chr9:136,840,181-136,840,199 gives the same sequence; the position shown is the placement nearest the transcript's 3' end. VCF-style (leftmost placement, unchanged base first): chr9-136840180-GAGA-G. GRCh37 (hg19) VCF-style: chr9-139734632-GAGA-G.
Other names: c.1962GAA[5], p.Lys661del (NM_001173988.2); short protein forms K660del, K661del.
Identifiers: ClinVar variation 2659753 (VCV002659753.23), dbSNP rs145591109, ClinGen allele CA5346731.
Genomic context (GRCh38, chr9:136,840,180, plus strand): 5'-TGAGTTTGAGCCACTGTCTGTCCTGTCTGTGCAGGTAAGGAGGGCAAAACCCCCTCTAAG[GAGA>G]AGAAGAAGAAGAAGAAAAAAGGCAAAGAGGTACTGGCTACTCCCCTTCCTGGCAGGCCAG-3'

ClinVar aggregate classification (germline): Benign (1 of 4 stars; one submission).

Submission:

CeGaT Center for Human Genetics Tuebingen
Classification: Benign. Last evaluated: 2022-05-01. Review status: criteria provided, single submitter. Criteria: CeGaT Center For Human Genetics Tuebingen Variant Classification Criteria Version 2. Collection method: clinical testing. Allele origin: germline. Affected: yes. Observed: 1 variant allele.
Comment: RABL6: BS1, BS2